The following is an entry in ClinVar:

NM_004006.3(DMD):c.1848C>A (p.Ser616=)

Gene: DMD (dystrophin; minus strand). Cytogenetic location: Xp21.1.
Variant type: single nucleotide variant.
Coding change: c.1848C>A on transcript NM_004006.3 (MANE Select); coding-DNA position 1848, C replaced by A.
Protein change: p.Ser616=; no amino-acid change (serine 616 retained).
Molecular consequence: synonymous variant.
Genome position (GRCh38, 1-based): chrX:32,565,846, G>T on the plus strand (C>A on the coding strand, the complement: DMD is on the minus strand). VCF-style: chrX-32565846-G-T. GRCh37 (hg19) VCF-style: chrX-32583963-G-T.
Other names: c.1824C>A, p.Ser608= (NM_000109.4); c.1836C>A, p.Ser612= (NM_004009.3); c.1479C>A, p.Ser493= (NM_004010.3).
Identifiers: ClinVar variation 94481 (VCV000094481.25), dbSNP rs376024929, ClinGen allele CA222307.

ClinVar aggregate classification (germline): Conflicting classifications of pathogenicity. Review status: criteria provided, conflicting classifications (1 of 4 stars). 7 submissions from 7 submitters: Uncertain significance (1); Benign (1); Likely benign (4). 1 of the submissions does not count toward it. Last evaluated 2026-05-01.

Conditions:
Dystrophin deficiency.
Duchenne muscular dystrophy (DMD). Also called: MUSCULAR DYSTROPHY, PSEUDOHYPERTROPHIC PROGRESSIVE, DUCHENNE TYPE; Duchenne Muscular Dystrophy (DMD). Identifiers: Orphanet 98896, MedGen C0013264, MONDO:0010679, OMIM 310200.
Cardiomyopathy (CMYO). Also called: Cardiomyopathies. Identifiers: Orphanet 167848, MedGen C0878544, MONDO:0004994, HP:0001638. Inheritance: Various modes of inheritance.
Becker muscular dystrophy (BMD). Also called: MUSCULAR DYSTROPHY, PSEUDOHYPERTROPHIC PROGRESSIVE, BECKER TYPE; Becker Muscular Dystrophy (BMD). Identifiers: Orphanet 98895, MedGen C0917713, MONDO:0010311, OMIM 300376.
Cardiovascular phenotype. Identifiers: MedGen CN230736.

Allele frequency attached by ClinVar (database versions not stated): gnomAD 0.00004; TOPMed 0.00012.
gnomAD v4.1: 67 of 1,209,613 alleles (0.0055%); highest among the groups gnomAD compares: Admixed American, 0.15%; 1 homozygote.

Submissions (7):

CeGaT Center for Human Genetics Tuebingen
Classification: Likely benign. Last evaluated: 2026-05-01. Review status: criteria provided, single submitter. Criteria: CeGaT Center For Human Genetics Tuebingen Variant Classification Criteria Version 2. Collection method: clinical testing. Allele origin: germline. Affected: yes. Observed: 2 variant alleles.
Comment: DMD: BP4, BP7, BS2

Labcorp Genetics (formerly Invitae), Labcorp
Classification: Benign for Duchenne muscular dystrophy. Last evaluated: 2026-01-25. Review status: criteria provided, single submitter. Criteria: Invitae Variant Classification Sherloc (09022015). Collection method: clinical testing. Allele origin: germline.

ARUP Laboratories, Molecular Genetics and Genomics, ARUP Laboratories
Classification: Likely benign. Last evaluated: 2023-09-08. Review status: criteria provided, single submitter. Criteria: ARUP Molecular Germline Variant Investigation Process 2024. Collection method: clinical testing. Allele origin: germline.

Ambry Genetics
Classification: Likely benign for Cardiovascular phenotype. Last evaluated: 2021-05-27. Review status: criteria provided, single submitter. Criteria: Ambry Variant Classification Scheme 2023. Collection method: clinical testing. Allele origin: germline.

GeneDx
Classification: Likely benign. Last evaluated: 2017-01-03. Review status: criteria provided, single submitter. Criteria: GeneDx Variant Classification (06012015). Collection method: clinical testing. Allele origin: germline. Affected: yes.
Comment: This variant is considered likely benign or benign based on one or more of the following criteria: it is a conservative change, it occurs at a poorly conserved position in the protein, it is predicted to be benign by multiple in silico algorithms, and/or has population frequency not consistent with disease.

Eurofins Ntd Llc (ga)
Classification: Uncertain significance. Last evaluated: 2015-08-24. Review status: criteria provided, single submitter. Criteria: EGL Classification Definitions 2015. Collection method: clinical testing. Allele origin: germline. Observed: 3 variant alleles, 1 heterozygote, 2 hemizygotes.

Natera, Inc.
Classification: Likely benign for Becker muscular dystrophy; Cardiomyopathy; Duchenne muscular dystrophy; Dystrophin deficiency. Last evaluated: 2019-06-21. Review status: no assertion criteria provided. Collection method: clinical testing. Allele origin: germline. Not counted in ClinVar's aggregate classification.